The following is an entry in ClinVar:

NM_001017995.3(SH3PXD2B):c.2416C>A (p.Pro806Thr)

Gene: SH3PXD2B (SH3 and PX domains 2B; minus strand). Cytogenetic location: 5q35.1.
Variant type: single nucleotide variant.
Coding change: c.2416C>A on transcript NM_001017995.3 (MANE Select); coding-DNA position 2416, C replaced by A.
Protein change: p.Pro806Thr; replaces proline 806 with threonine.
Molecular consequence: missense variant. On other transcripts: intron variant (1).
Genome position (GRCh38, 1-based): chr5:172,338,689, G>T on the plus strand (C>A on the coding strand, the complement: SH3PXD2B is on the minus strand). VCF-style: chr5-172338689-G-T. GRCh37 (hg19) VCF-style: chr5-171765693-G-T.
Other names: c.1188+7447C>A (NM_001308175.2); c.2416C>A (NM_001017995.2); short protein forms P806T.
Identifiers: ClinVar variation 1511050 (VCV001511050.5), dbSNP rs372034716, ClinGen allele CA3560972.

ClinVar aggregate classification (germline): Uncertain significance. Review status: criteria provided, multiple submitters, no conflicts (2 of 4 stars). 2 submissions from 2 submitters: Uncertain significance (2). Last evaluated 2022-05-04.

Conditions:
Inborn genetic diseases. Identifiers: MedGen C0950123, MeSH D030342.

gnomAD v4.1: 50 of 1,614,110 alleles (0.0031%); highest among the groups gnomAD compares: East Asian, 0.011%; no homozygotes.

Submissions (2):

Ambry Genetics
Classification: Uncertain significance for Inborn genetic diseases. Last evaluated: 2022-05-04. Review status: criteria provided, single submitter. Criteria: Ambry Variant Classification Scheme 2023. Collection method: clinical testing. Allele origin: germline.

Labcorp Genetics (formerly Invitae), Labcorp
Classification: Uncertain significance. Last evaluated: 2021-09-02. Review status: criteria provided, single submitter. Criteria: Invitae Variant Classification Sherloc (09022015). Collection method: clinical testing. Allele origin: germline.
Comment: In summary, the available evidence is currently insufficient to determine the role of this variant in disease. Therefore, it has been classified as a Variant of Uncertain Significance. Algorithms developed to predict the effect of missense changes on protein structure and function (SIFT, PolyPhen-2, Align-GVGD) all suggest that this variant is likely to be disruptive. This variant has not been reported in the literature in individuals affected with SH3PXD2B-related conditions. This variant is present in population databases (rs372034716, ExAC 0.002%). This sequence change replaces proline with threonine at codon 806 of the SH3PXD2B protein (p.Pro806Thr). The proline residue is highly conserved and there is a small physicochemical difference between proline and threonine.